The following is an entry in ClinVar:

ClinVar aggregate classification (germline): Uncertain significance (1 of 4 stars; one submission).

Allele frequency attached by ClinVar (database versions not stated): gnomAD 0.00001 and 0.00002; TOPMed 0.00002; gnomAD exomes 0.00003 and 0.00008; ExAC 0.00009.
gnomAD v4.1: 55 of 1,613,354 alleles (0.0034%); highest among the groups gnomAD compares: South Asian, 0.047%; 1 homozygote.

Submission:

Labcorp Genetics (formerly Invitae), Labcorp
Classification: Uncertain significance. Last evaluated: 2021-03-27. Review status: criteria provided, single submitter. Criteria: Invitae Variant Classification Sherloc (09022015). Collection method: clinical testing. Allele origin: germline.
Comment: Algorithms developed to predict the effect of missense changes on protein structure and function are either unavailable or do not agree on the potential impact of this missense change (SIFT: "Not Available"; PolyPhen-2: "Probably Damaging"; Align-GVGD: "Not Available"). This variant has not been reported in the literature in individuals with DDRGK1-related conditions. This variant is present in population databases (rs757093597, ExAC 0.06%). This sequence change replaces arginine with glutamine at codon 162 of the DDRGK1 protein (p.Arg162Gln). The arginine residue is moderately conserved and there is a small physicochemical difference between arginine and glutamine. In summary, the available evidence is currently insufficient to determine the role of this variant in disease. Therefore, it has been classified as a Variant of Uncertain Significance.

NM_023935.3(DDRGK1):c.485G>A (p.Arg162Gln)

Gene: DDRGK1 (DDRGK domain containing 1; minus strand). Cytogenetic location: 20p13.
Variant type: single nucleotide variant.
Coding change: c.485G>A on transcript NM_023935.3 (MANE Select); coding-DNA position 485, G replaced by A.
Protein change: p.Arg162Gln; replaces arginine 162 with glutamine.
Molecular consequence: missense variant.
Genome position (GRCh38, 1-based): chr20:3,200,026, C>T on the plus strand (G>A on the coding strand, the complement: DDRGK1 is on the minus strand). VCF-style: chr20-3200026-C-T. GRCh37 (hg19) VCF-style: chr20-3180672-C-T.
Other names: short protein forms R162Q.
Identifiers: ClinVar variation 1469348 (VCV001469348.4), dbSNP rs757093597, ClinGen allele CA9740918.